The following is an entry in ClinVar:

ClinVar aggregate classification (germline): Uncertain significance (1 of 4 stars; one submission).

Conditions:
Primary familial hypertrophic cardiomyopathy (HCM). Identifiers: Orphanet 99739, MedGen C0949658, MeSH D024741, MONDO:0024573. Inheritance: Various modes of inheritance.
Dilated cardiomyopathy 1AA (CMD1AA). Also called: CARDIOMYOPATHY, DILATED, 1AA, WITH OR WITHOUT LEFT VENTRICULAR NONCOMPACTION; CARDIOMYOPATHY, FAMILIAL HYPERTROPHIC, 23, WITH OR WITHOUT LEFT VENTRICULAR NONCOMPACTION; Cardiomyopathy, dilated, 1AA, with or without LVNC. Identifiers: Orphanet 154, MedGen C2677338, MONDO:0012808, OMIM 612158.

Submission:

Labcorp Genetics (formerly Invitae), Labcorp
Classification: Uncertain significance for Primary familial hypertrophic cardiomyopathy; Dilated cardiomyopathy 1AA. Last evaluated: 2025-12-03. Review status: criteria provided, single submitter. Criteria: Invitae Variant Classification Sherloc (09022015). Collection method: clinical testing. Allele origin: germline.
Comment: This sequence change replaces glutamine, which is neutral and polar, with arginine, which is basic and polar, at codon 830 of the ACTN2 protein (p.Gln830Arg). This variant is not present in population databases (gnomAD no frequency). This variant has not been reported in the literature in individuals affected with ACTN2-related conditions. An algorithm developed to predict the effect of missense changes on protein structure and function (PolyPhen-2) suggests that this variant is likely to be disruptive. In summary, the available evidence is currently insufficient to determine the role of this variant in disease. Therefore, it has been classified as a Variant of Uncertain Significance.

NM_001103.4(ACTN2):c.2489A>G (p.Gln830Arg)

Gene: ACTN2 (actinin alpha 2; plus strand). Cytogenetic location: 1q43.
Variant type: single nucleotide variant.
Coding change: c.2489A>G on transcript NM_001103.4 (MANE Select); coding-DNA position 2489, A replaced by G.
Protein change: p.Gln830Arg; replaces glutamine 830 with arginine.
Molecular consequence: missense variant. On other transcripts: non-coding transcript variant (1).
Genome position (GRCh38, 1-based): chr1:236,761,136, A>G. VCF-style: chr1-236761136-A-G. GRCh37 (hg19) VCF-style: chr1-236924436-A-G.
Other names: c.2489A>G, p.Gln830Arg (NM_001278343.2); short protein forms Q830R.
Identifiers: ClinVar variation 4786911 (VCV004786911.1).